The following is an entry in ClinVar:

NM_000198.4(HSD3B2):c.308-6G>A

Gene: HSD3B2 (hydroxy-delta-5-steroid dehydrogenase, 3 beta- and steroid delta-isomerase 2; plus strand). Cytogenetic location: 1p12.
Variant type: single nucleotide variant.
Coding change: c.308-6G>A on transcript NM_000198.4 (MANE Select); 6 bases into the intron before coding-DNA position 308, G replaced by A.
Molecular consequence: intron variant.
Genome position (GRCh38, 1-based): chr1:119,421,803, G>A. VCF-style: chr1-119421803-G-A. GRCh37 (hg19) VCF-style: chr1-119964426-G-A.
Other names: c.308-6G>A (NM_001166120.2, NM_000198.3).
Identifiers: ClinVar variation 3720237 (VCV003720237.5).

ClinVar aggregate classification (germline): Likely pathogenic. Review status: criteria provided, multiple submitters, no conflicts (2 of 4 stars). 3 submissions from 3 submitters: Likely pathogenic (3). Last evaluated 2024-08-01.

Conditions:
3 beta-Hydroxysteroid dehydrogenase deficiency. Also called: 3b-hydroxysteroid dehydrogenase deficiency; ADRENAL HYPERPLASIA, CONGENITAL, DUE TO 3-BETA-HYDROXYSTEROID DEHYDROGENASE 2 DEFICIENCY; 3-BETA-HSD DEFICIENCY; ADRENAL HYPERPLASIA II; Congenital adrenal hyperplasia due to 3-beta-hydroxysteroid dehydrogenase deficiency. Identifiers: Orphanet 90791, MedGen C0342471, MeSH C538236, MONDO:0008727, OMIM 201810. Disease mechanism: loss of function.
HSD3B2-related disorders.

gnomAD v4.1: 15 of 1,613,324 alleles (0.00093%); highest among the groups gnomAD compares: Non-Finnish European, 0.0012%; no homozygotes.

Submissions (3):

Natera, Inc.
Classification: Likely pathogenic for 3 beta hydroxysteroid dehydrogenase deficiency. Last evaluated: 2024-08-01. Review status: criteria provided, single submitter. Criteria: Natera Variant Classification Schema (03/2026). Collection method: clinical testing. Allele origin: germline.
Comment: The c.308-6G>A variant in HSD3B2 is an intronic variant located outside the canonical splice sites. This variant is rare in the general population with a frequency below the threshold expected for the associated phenotype(s). This variant has been observed in one or more individuals affected with the associated recessive disease, as either homozygous or compound heterozygous with a second variant (PMID: 7962268, 36233635). Additionally, this variant has been observed to segregate in affected family members (PMID: 7962268, 36233635). Given the available evidence, this variant is classified as Likely Pathogenic.

Labcorp Genetics (formerly Invitae), Labcorp
Classification: Likely pathogenic. Last evaluated: 2024-03-04. Review status: criteria provided, single submitter. Criteria: Invitae Variant Classification Sherloc (09022015). Collection method: clinical testing. Allele origin: germline.
Comment: This sequence change falls in intron 3 of the HSD3B2 gene. It does not directly change the encoded amino acid sequence of the HSD3B2 protein. This variant is not present in population databases (gnomAD no frequency). This variant has been observed in individual(s) with congenital adrenal hyperplasia (PMID: 7962268, 36233635). In at least one individual the data is consistent with being in trans (on the opposite chromosome) from a pathogenic variant. It has also been observed to segregate with disease in related individuals. This variant is also known as n6551(G>A). Algorithms developed to predict the effect of sequence changes on RNA splicing suggest that this variant may disrupt the consensus splice site. In summary, the currently available evidence indicates that the variant is pathogenic, but additional data are needed to prove that conclusively. Therefore, this variant has been classified as Likely Pathogenic.

Blueprint Genetics
Classification: Likely pathogenic for HSD3B2-related disorders. Last evaluated: 2022-11-15. Review status: criteria provided, single submitter. Criteria: ACMG Guidelines, 2015. Collection method: clinical testing. Allele origin: germline. Affected: yes. Observed: 3 variant alleles.

Literature cited by the submitters: PubMed 7962268 (cited by Natera, Inc. and Labcorp Genetics (formerly Invitae), Labcorp); PubMed 36233635 (cited by Natera, Inc. and Labcorp Genetics (formerly Invitae), Labcorp).